The following is an entry in ClinVar:

ClinVar aggregate classification (germline): Conflicting classifications of pathogenicity. Review status: criteria provided, conflicting classifications (1 of 4 stars). 2 submissions from 2 submitters: Uncertain significance (1); Benign (1). Last evaluated 2024-11-17.

Conditions:
Hereditary cancer-predisposing syndrome. Also called: Neoplastic Syndromes, Hereditary; Hereditary neoplastic syndrome; Hereditary Cancer Syndrome; Tumor predisposition. Identifiers: Orphanet 140162, MedGen C0027672, MeSH D009386, MONDO:0015356.
Gorlin syndrome. Also called: Nevoid Basal Cell Carcinoma Syndrome; Basal cell nevus syndrome. Identifiers: Orphanet 377, MedGen C0004779, MONDO:0007187.

Allele frequency attached by ClinVar (database versions not stated): ExAC 0.00001; gnomAD exomes 0.00001.
gnomAD v4.1: 3 of 1,613,866 alleles (0.00019%); highest among the groups gnomAD compares: South Asian, 0.0022%; no homozygotes.

Submissions (2):

Ambry Genetics
Classification: Uncertain significance for Hereditary cancer-predisposing syndrome. Last evaluated: 2024-11-17. Review status: criteria provided, single submitter. Criteria: Ambry Variant Classification Scheme 2023. Collection method: clinical testing. Allele origin: germline.
Comment: The p.T959I variant (also known as c.2876C>T), located in coding exon 17 of the PTCH1 gene, results from a C to T substitution at nucleotide position 2876. The threonine at codon 959 is replaced by isoleucine, an amino acid with similar properties. This amino acid position is conserved. In addition, this alteration is predicted to be deleterious by in silico analysis. Based on the available evidence, the clinical significance of this variant remains unclear.

Labcorp Genetics (formerly Invitae), Labcorp
Classification: Benign for Gorlin syndrome. Last evaluated: 2024-08-24. Review status: criteria provided, single submitter. Criteria: Invitae Variant Classification Sherloc (09022015). Collection method: clinical testing. Allele origin: germline.

NM_000264.5(PTCH1):c.2876C>T (p.Thr959Ile)

Gene: PTCH1 (patched 1; minus strand). Cytogenetic location: 9q22.32.
Variant type: single nucleotide variant.
Coding change: c.2876C>T on transcript NM_000264.5 (MANE Select); coding-DNA position 2876, C replaced by T.
Protein change: p.Thr959Ile; replaces threonine 959 with isoleucine.
Molecular consequence: missense variant. On other transcripts: non-coding transcript variant (1).
Genome position (GRCh38, 1-based): chr9:95,459,611, G>A on the plus strand (C>T on the coding strand, the complement: PTCH1 is on the minus strand). VCF-style: chr9-95459611-G-A. GRCh37 (hg19) VCF-style: chr9-98221893-G-A.
Other names: c.2876C>T (NM_000264.3); c.2678C>T, p.Thr893Ile (NM_001083602.3); c.2873C>T, p.Thr958Ile (NM_001083603.3); c.2423C>T, p.Thr808Ile (NM_001083604.3, NM_001083605.3, NM_001083606.3 and 1 more transcripts); c.2720C>T, p.Thr907Ile (NM_001354918.2); short protein forms T958I, T808I, T893I, T907I, T959I.
Identifiers: ClinVar variation 654985 (VCV000654985.12), dbSNP rs776378611, ClinGen allele CA5138310.
Genomic context (GRCh38, chr9:95,459,611, plus strand): 5'-GGAAGGCACCTCTGTAAGTTCCCAGACCTCCCGATAAAACGCTACTTACTTCTCAGCCTT[G>A]TTTCAGGCATGTAGTCGGCTTTGTCGTGGACCCATTCTGGTCGGTGTGGCCGGATGTTGG-3'
Protein context (NP_000255.2, residues 949-969): VHDKADYMPE[Thr959Ile]RLRIPAAEPI